The following is an entry in ClinVar:

ClinVar aggregate classification (germline): Benign (1 of 4 stars; one submission).

Conditions:
Arterial tortuosity syndrome (ATORS). Identifiers: Orphanet 3342, MedGen C1859726, MONDO:0008818, OMIM 208050.

Allele frequency attached by ClinVar (database versions not stated): gnomAD 0.00562 and 0.00564; TOPMed 0.00669; 1000 Genomes Project 0.00779; 1000 Genomes Project 30x 0.00874.

Submission:

Illumina Laboratory Services, Illumina
Classification: Benign for Arterial tortuosity syndrome. Last evaluated: 2018-01-13. Review status: criteria provided, single submitter. Criteria: ICSL Variant Classification Criteria 13 December 2019. Collection method: clinical testing. Allele origin: germline.
Comment: This variant was observed in the ICSL laboratory as part of a predisposition screen in an ostensibly healthy population. It had not been previously curated by ICSL or reported in the Human Gene Mutation Database (HGMD: prior to June 1st, 2018), and was therefore a candidate for classification through an automated scoring system. Utilizing variant allele frequency, disease prevalence and penetrance estimates, and inheritance mode, an automated score was calculated to assess if this variant is too frequent to cause the disease. Based on the score and internal cut-off values, a variant classified as benign is not then subjected to further curation. The score for this variant resulted in a classification of benign for this disease.

NM_030777.4(SLC2A10):c.*958C>T

Gene: SLC2A10 (solute carrier family 2 member 10; plus strand). Cytogenetic location: 20q13.12.
Variant type: single nucleotide variant.
Coding change: c.*958C>T on transcript NM_030777.4 (MANE Select); 958 bases downstream of the stop codon, C replaced by T.
Molecular consequence: 3 prime UTR variant.
Genome position (GRCh38, 1-based): chr20:46,734,792, C>T. VCF-style: chr20-46734792-C-T. GRCh37 (hg19) VCF-style: chr20-45363431-C-T.
Identifiers: ClinVar variation 338617 (VCV000338617.5), dbSNP rs189464814, ClinGen allele CA10644015.